The following is an entry in ClinVar:

ClinVar aggregate classification (germline): Pathogenic/Likely pathogenic. Review status: criteria provided, multiple submitters, no conflicts (2 of 4 stars). 13 submissions from 13 submitters: Pathogenic (1); Likely pathogenic (11). 1 of the submissions does not count toward it. Last evaluated 2026-02-06.

Conditions:
MUTYH-related disorder. Also called: MUTYH-related condition; MUTYH-related disorders.
Hereditary cancer-predisposing syndrome. Also called: Neoplastic Syndromes, Hereditary; Hereditary Cancer Syndrome; Tumor predisposition; Hereditary neoplastic syndrome. Identifiers: Orphanet 140162, MedGen C0027672, MeSH D009386, MONDO:0015356.
Familial adenomatous polyposis 2. Also called: FAP type 2; COLORECTAL ADENOMATOUS POLYPOSIS, AUTOSOMAL RECESSIVE; MYH-associated polyposis; MUTYH-associated polyposis; Adenomas, multiple colorectal; ADENOMAS, MULTIPLE COLORECTAL, AUTOSOMAL RECESSIVE. Identifiers: Orphanet 220460, Orphanet 247798, MedGen C3272841, MONDO:0012041, OMIM 608456.
Gastric cancer. Also called: Stomach cancer; Malignant tumor of stomach. Identifiers: MedGen C0024623, MeSH D013274, MONDO:0001056, OMIM 613659, HP:0012126.

Allele frequency attached by ClinVar (database versions not stated): gnomAD exomes 0.00001; ExAC 0.00001; TOPMed 0.00001.
gnomAD v4.1: 28 of 1,614,042 alleles (0.0017%); highest among the groups gnomAD compares: Middle Eastern, 0.017%; no homozygotes.

Submissions 1 to 8 of 13:

PreventionGenetics, part of Exact Sciences
Classification: Likely pathogenic for MUTYH-related condition. Last evaluated: 2026-02-06. Review status: criteria provided, single submitter. Criteria: ACMG Guidelines, 2015. Collection method: clinical testing. Allele origin: germline.
Comment: The MUTYH c.820C>T variant is predicted to result in the amino acid substitution p.Arg274Trp. This variant was reported in multiple individuals with adenomatous polyposis coli (Table 2. Aceto et al 2005. PubMed ID: 16134147; Vogt S et al 2009. PubMed ID: 19732775; Table 1. Komine K et al 2015. PubMed ID: 25820570; Table1. Nielsen M et al 2008. PubMed ID: 19032956; Jones N et al. 2009 PubMed ID: 19394335). It has been observed to segregate with disease in related individuals (Aceto et al. 2005. PubMed ID: 16134147). Experimental studies and in silico analysis support that this missense variant has a deleterious effect and is functionally defective (Komine K et al. 2015. PubMed ID: 25820570). This variant is reported in 0.0029% of alleles in individuals of Latino descent in gnomAD and is listed in Clinvar as pathogenic/likely pathogenic (Variation ID: 449417). This variant is interpreted as likely pathogenic.

Labcorp Genetics (formerly Invitae), Labcorp
Classification: Pathogenic for Familial adenomatous polyposis 2. Last evaluated: 2025-11-03. Review status: criteria provided, single submitter. Criteria: Invitae Variant Classification Sherloc (09022015). Collection method: clinical testing. Allele origin: germline.
Comment: This sequence change replaces arginine, which is basic and polar, with tryptophan, which is neutral and slightly polar, at codon 274 of the MUTYH protein (p.Arg274Trp). This variant is present in population databases (rs769237459, gnomAD 0.003%). This missense change has been observed in individual(s) with MUTYH-associated polyposis (PMID: 16134147, 19032956, 19394335, 19732775; internal data). In at least one individual the data is consistent with being in trans (on the opposite chromosome) from a pathogenic variant. It has also been observed to segregate with disease in related individuals. ClinVar contains an entry for this variant (Variation ID: 449417). An algorithm developed to predict the effect of missense changes on protein structure and function (PolyPhen-2) suggests that this variant is likely to be disruptive. Experimental studies have shown that this missense change affects MUTYH function (PMID: 25820570). For these reasons, this variant has been classified as Pathogenic.

Quest Diagnostics Nichols Institute San Juan Capistrano
Classification: Likely pathogenic. Last evaluated: 2025-09-17. Review status: criteria provided, single submitter. Criteria: Quest Diagnostics criteria. Collection method: clinical testing. Allele origin: unknown.
Comment: The MUTYH c.820C>T (p.Arg274Trp) variant has been reported in the published literature in along with co-occurring MUTYH variants in individuals and families affected with MUTYH-associated polyposis (PMID: 19394335 (2009), 16557584 (2006), 16134147 (2005)). This variant has been also been reported in one breast cancer patient (PMID: 26976419 (2016)), as well as in two reportedly unaffected individuals in a large-scale breast cancer association study (PMID: 33471991 (2021), see also LOVD). Assessment of experimental evidence suggests this variant is damaging to normal protein function (PMID: 25820570 (2015)). Another variant at the same codon has been classified internally as pathogenic (p.Arg274Gln). The frequency of this variant in the general population (Genome Aggregation Database) is consistent with pathogenicity. Analysis of this variant using bioinformatics tools for the prediction of the effect of amino acid changes on protein structure and function yielded predictions that this variant is damaging. Based on the available information, this variant is classified as likely pathogenic.

Ambry Genetics
Classification: Likely pathogenic for Hereditary cancer-predisposing syndrome. Last evaluated: 2025-04-24. Review status: criteria provided, single submitter. Criteria: Ambry Variant Classification Scheme 2023. Collection method: clinical testing. Allele origin: germline.
Comment: The p.R274W variant (also known as c.820C>T), located in coding exon 10 of the MUTYH gene, results from a C to T substitution at nucleotide position 820. The arginine at codon 274 is replaced by tryptophan, an amino acid with dissimilar properties. This alteration has been reported in the literature in a compound heterozygous state with another MUTYH mutation in multiple individuals with adenomatous polyposis and/or GI cancers (Aceto G et al, Hum. Mutat. 2005 Oct; 26(4):394; Aretz S et al. Int. J. Cancer 2006 Aug;119(4):807-14; Vogt S et al, Gastroenterology 2009 Dec; 137(6):1976-85.e1-10; Aceto GM et al, J. Exp. Clin. Cancer Res. 2015; 34():131). A functional analysis of this alteration using E. coli complementation, protein stability, and subcellular localization in mammalian cells indicated that this alteration was functionally defective (Komine K et al, Hum. Mutat. 2015 Jul; 36(7):704-11). Of note, this alteration is also designated as p.R260W (c.778C>T) in published literature. Another alteration at the same codon, p.R274Q (c.821G>A), has been detected in conjunction with different pathogenic MUTYH founder mutations in individuals with adenomatous polyposis; however, the phase (whether in cis or trans) is not confirmed (Ambry internal data). This amino acid position is well conserved in available vertebrate species. In addition, this alteration is predicted to be deleterious by in silico analysis. This variant is considered to be rare based on population cohorts in the Genome Aggregation Database (gnomAD). Based on the majority of available evidence to date, this variant is likely to be pathogenic.

Center for Genomic Medicine, Rigshospitalet, Copenhagen University Hospital
Classification: Likely pathogenic. Last evaluated: 2025-03-04. Review status: criteria provided, single submitter. Criteria: ACMG Guidelines, 2015. Collection method: clinical testing. Allele origin: germline.

Color Diagnostics, LLC DBA Color Health
Classification: Likely pathogenic for Hereditary cancer-predisposing syndrome. Last evaluated: 2025-02-10. Review status: criteria provided, single submitter. Criteria: ACMG Guidelines, 2015. Collection method: clinical testing. Allele origin: germline.
Comment: This missense variant replaces arginine with tryptophan at codon 274 of the MUTYH protein. Computational prediction is inconclusive regarding the impact of this variant on protein structure and function. Functional studies have shown that this variant was categorized as functionally deficient (PMID: 25820570). This variant has been reported as biallelic with another MUTYH allele in individuals affected with MUTYH-associated polyposis (PMID: 16134147, 19732775, 26511139) and as a single in an individual affected with breast cancer (PMID: 26976419). This variant has been identified in 2/250086 chromosomes in the general population by the Genome Aggregation Database (gnomAD). Based on the available evidence, this variant is classified as Likely Pathogenic.

GeneDx
Classification: Likely pathogenic. Last evaluated: 2024-08-15. Review status: criteria provided, single submitter. Criteria: GeneDx Variant Classification Process June 2021. Collection method: clinical testing. Allele origin: germline. Affected: yes.
Comment: Not observed at significant frequency in large population cohorts (gnomAD); In silico analysis supports that this missense variant has a deleterious effect on protein structure/function; Published functional studies demonstrate a damaging effect: defective function in a MutY-deficient E. coli complementation assay (PMID: 25820570); This variant is associated with the following publications: (PMID: 19032956, 16134147, 28349240, 26976419, 23770606, 19394335, 16557584, 19725997, 26511139, 19732775, 34426522, Feng2021[Abstract], 11092888, 11160897, 33471974, 36988593, 25820570, 36655350, 34981295, 36243179)

Baylor Genetics
Classification: Likely pathogenic for Familial adenomatous polyposis 2. Last evaluated: 2024-02-09. Review status: criteria provided, single submitter. Criteria: ACMG Guidelines, 2015. Collection method: clinical testing. Allele origin: unknown.

NM_001048174.2(MUTYH):c.736C>T (p.Arg246Trp)

Gene: MUTYH (mutY DNA glycosylase; minus strand). Cytogenetic location: 1p34.1.
Variant type: single nucleotide variant.
Coding change: c.736C>T on transcript NM_001048174.2 (MANE Select); coding-DNA position 736, C replaced by T.
Protein change: p.Arg246Trp; replaces arginine 246 with tryptophan.
Molecular consequence: missense variant. On other transcripts: non-coding transcript variant (2).
Genome position (GRCh38, 1-based): chr1:45,332,279, G>A on the plus strand (C>T on the coding strand, the complement: MUTYH is on the minus strand). VCF-style: chr1-45332279-G-A. GRCh37 (hg19) VCF-style: chr1-45797951-G-A.
Other names: c.736C>T, p.Arg246Trp (NM_001048171.2, NM_001048173.2, NM_001293195.2); c.739C>T, p.Arg247Trp (NM_001048172.2); c.820C>T, p.Arg274Trp (NM_001128425.2); c.781C>T, p.Arg261Trp (NM_001293190.2); c.769C>T, p.Arg257Trp (NM_001293191.2); c.460C>T, p.Arg154Trp (NM_001293192.2, NM_001293196.2); c.391C>T, p.Arg131Trp (NM_001350650.2, NM_001350651.2); c.811C>T, p.Arg271Trp (NM_012222.3); short protein forms R274W, R154W, R247W, R131W, R246W, R271W, R257W, R261W.
Identifiers: ClinVar variation 449417 (VCV000449417.62), dbSNP rs769237459, ClinGen allele CA059263.